The following is an entry in ClinVar:

NM_000138.5(FBN1):c.736+4A>G

Gene: FBN1 (fibrillin 1; minus strand). Cytogenetic location: 15q21.1.
Variant type: single nucleotide variant.
Coding change: c.736+4A>G on transcript NM_000138.5 (MANE Select); 4 bases into the intron after coding-DNA position 736, A replaced by G.
Molecular consequence: intron variant.
Genome position (GRCh38, 1-based): chr15:48,537,607, T>C on the plus strand (A>G on the coding strand, the complement: FBN1 is on the minus strand). VCF-style: chr15-48537607-T-C. GRCh37 (hg19) VCF-style: chr15-48829804-T-C.
Other names: c.736+4A>G (NM_001406716.1, NM_001406717.1).
Identifiers: ClinVar variation 2577227 (VCV002577227.1), dbSNP rs2044024186, ClinGen allele CA2580613823.

ClinVar aggregate classification (germline): Uncertain significance (1 of 4 stars; one submission).

Submission:

Women's Health and Genetics/Laboratory Corporation of America, LabCorp
Classification: Uncertain significance. Last evaluated: 2023-07-10. Review status: criteria provided, single submitter. Criteria: LabCorp Variant Classification Summary - May 2015. Collection method: clinical testing. Allele origin: germline.
Comment: Variant summary: FBN1 c.736+4A>G alters a conserved nucleotide located close to a canonical splice site and therefore could affect mRNA splicing, leading to a significantly altered protein sequence. Several computational tools predict a significant impact on normal splicing: Four predict the variant weakens a canonical 5' donor site. However, these predictions have yet to be confirmed by functional studies. The variant was absent in 250616 control chromosomes (gnomAD). The available data on variant occurrences in the general population are insufficient to allow any conclusion about variant significance. To our knowledge, no occurrence of c.736+4A>G in individuals affected with Marfan Syndrome and no experimental evidence demonstrating its impact on protein function have been reported. No submitters have cited clinical-significance assessments for this variant to ClinVar after 2014. Based on the evidence outlined above, the variant was classified as uncertain significance.